The following is an entry in ClinVar:

ClinVar aggregate classification (germline): Uncertain significance. Review status: criteria provided, multiple submitters, no conflicts (2 of 4 stars). 2 submissions from 2 submitters: Uncertain significance (2). Last evaluated 2025-07-09.

Allele frequency attached by ClinVar (database versions not stated): TOPMed below 0.00001; gnomAD 0.00001; gnomAD exomes 0.00001 and 0.00002; ExAC 0.00002.
gnomAD v4.1: 5 of 1,613,998 alleles (0.00031%); highest among the groups gnomAD compares: Admixed American, 0.0083%; no homozygotes.

Submissions (2):

GeneDx
Classification: Uncertain significance. Last evaluated: 2025-07-09. Review status: criteria provided, single submitter. Criteria: GeneDx Variant Classification Process June 2021. Collection method: clinical testing. Allele origin: germline. Affected: yes.
Comment: Not observed at significant frequency in large population cohorts (gnomAD); In silico analysis supports that this missense variant has a deleterious effect on protein structure/function; Has not been previously published as pathogenic or benign to our knowledge

Labcorp Genetics (formerly Invitae), Labcorp
Classification: Uncertain significance. Last evaluated: 2023-08-17. Review status: criteria provided, single submitter. Criteria: Invitae Variant Classification Sherloc (09022015). Collection method: clinical testing. Allele origin: germline.
Comment: This sequence change replaces alanine, which is neutral and non-polar, with valine, which is neutral and non-polar, at codon 740 of the AARS2 protein (p.Ala740Val). This variant is present in population databases (rs753952552, gnomAD 0.01%). This variant has not been reported in the literature in individuals affected with AARS2-related conditions. ClinVar contains an entry for this variant (Variation ID: 1478683). Advanced modeling of protein sequence and biophysical properties (such as structural, functional, and spatial information, amino acid conservation, physicochemical variation, residue mobility, and thermodynamic stability) performed at Invitae indicates that this missense variant is not expected to disrupt AARS2 protein function. In summary, the available evidence is currently insufficient to determine the role of this variant in disease. Therefore, it has been classified as a Variant of Uncertain Significance.

NM_020745.4(AARS2):c.2219C>T (p.Ala740Val)

Gene: AARS2 (alanyl-tRNA synthetase 2, mitochondrial; minus strand). Cytogenetic location: 6p21.1.
Variant type: single nucleotide variant.
Coding change: c.2219C>T on transcript NM_020745.4 (MANE Select); coding-DNA position 2219, C replaced by T.
Protein change: p.Ala740Val; replaces alanine 740 with valine.
Molecular consequence: missense variant.
Genome position (GRCh38, 1-based): chr6:44,303,102, G>A on the plus strand (C>T on the coding strand, the complement: AARS2 is on the minus strand). VCF-style: chr6-44303102-G-A. GRCh37 (hg19) VCF-style: chr6-44270839-G-A.
Other names: c.2219C>T (NM_020745.2); short protein forms A740V.
Identifiers: ClinVar variation 1478683 (VCV001478683.46), dbSNP rs753952552, ClinGen allele CA3834064.